The following is an entry in ClinVar:

NM_000321.3(RB1):c.658C>G (p.Leu220Val)

Gene: RB1 (RB transcriptional corepressor 1; plus strand). Cytogenetic location: 13q14.2.
Variant type: single nucleotide variant.
Coding change: c.658C>G on transcript NM_000321.3 (MANE Select); coding-DNA position 658, C replaced by G.
Protein change: p.Leu220Val; replaces leucine 220 with valine.
Molecular consequence: missense variant.
Genome position (GRCh38, 1-based): chr13:48,360,067, C>G. VCF-style: chr13-48360067-C-G. GRCh37 (hg19) VCF-style: chr13-48934203-C-G.
Other names: short protein forms L220V.
Identifiers: ClinVar variation 1678695 (VCV001678695.2), dbSNP rs367960214, ClinGen allele CA388158330.
Genomic context (GRCh38, chr13:48,360,067, plus strand): 5'-TTTTTTTCAGGGGAAGTATTACAAATGGAAGATGATCTGGTGATTTCATTTCAGTTAATG[C>G]TATGTGTCCTTGACTATTTTATTAAACTCTCACCTCCCATGTTGCTCAAAGAACCATATA-3'
Protein context (NP_000312.2, residues 210-230): DDLVISFQLM[Leu220Val]CVLDYFIKLS

ClinVar aggregate classification (germline): Pathogenic (1 of 4 stars; one submission).

Submission:

GeneDx
Classification: Pathogenic. Last evaluated: 2022-03-05. Review status: criteria provided, single submitter. Criteria: GeneDx Variant Classification Process June 2021. Collection method: clinical testing. Allele origin: germline. Affected: yes.
Comment: Not observed in large population cohorts (gnomAD); This variant is associated with the following publications: (PMID: 19339519, 21654082, 25151137, 18181215, 18449911, 17996702, 30031154, 28575107, 31997559, 23516486)